The following is an entry in ClinVar:

NM_174936.4(PCSK9):c.618G>T (p.Glu206Asp)

Gene: PCSK9 (proprotein convertase subtilisin/kexin type 9; plus strand). Cytogenetic location: 1p32.3.
Variant type: single nucleotide variant.
Coding change: c.618G>T on transcript NM_174936.4 (MANE Select); coding-DNA position 618, G replaced by T.
Protein change: p.Glu206Asp; replaces glutamic acid 206 with aspartic acid.
Molecular consequence: missense variant. On other transcripts: non-coding transcript variant (8).
Genome position (GRCh38, 1-based): chr1:55,052,372, G>T. VCF-style: chr1-55052372-G-T. GRCh37 (hg19) VCF-style: chr1-55518045-G-T.
Other names: c.741G>T, p.Glu247Asp (NM_001407240.1); c.618G>T, p.Glu206Asp (NM_001407241.1, NM_001407242.1, NM_001407244.1 and 1 more transcripts); c.561G>T, p.Glu187Asp (NM_001407243.1); c.426G>T, p.Glu142Asp (NM_001407245.1); c.243G>T, p.Glu81Asp (NM_001407246.1); short protein forms E187D, E206D, E247D, E81D, E142D.
Identifiers: ClinVar variation 3887064 (VCV003887064.1).

ClinVar aggregate classification (germline): Uncertain significance (1 of 4 stars; one submission).

Conditions:
Cardiovascular phenotype. Identifiers: MedGen CN230736.

Submission:

Ambry Genetics
Classification: Uncertain significance for Cardiovascular phenotype. Last evaluated: 2024-12-21. Review status: criteria provided, single submitter. Criteria: Ambry Variant Classification Scheme 2023. Collection method: clinical testing. Allele origin: germline.
Comment: The p.E206D variant (also known as c.618G>T), located in coding exon 4 of the PCSK9 gene, results from a G to T substitution at nucleotide position 618. The glutamic acid at codon 206 is replaced by aspartic acid, an amino acid with highly similar properties. This amino acid position is conserved. In addition, this alteration is predicted to be tolerated by in silico analysis. Based on the available evidence, the clinical significance of this variant remains unclear.